The following is an entry in ClinVar:

ClinVar aggregate classification (germline): Likely benign (0 of 4 stars; one submission).

Conditions:
ST14-related disorder. Also called: ST14-related condition.

Allele frequency attached by ClinVar (database versions not stated): 1000 Genomes Project 30x 0.00031; TOPMed 0.00031; 1000 Genomes Project 0.00040; ESP Exome Variant Server 0.00062; gnomAD 0.00023; ExAC 0.00025.
gnomAD v4.1: 689 of 1,607,440 alleles (0.043%); highest among the groups gnomAD compares: Non-Finnish European, 0.055%; 3 homozygotes.

Submission:

PreventionGenetics, part of Exact Sciences
Classification: Likely benign for ST14-related condition. Last evaluated: 2020-03-24. Review status: no assertion criteria provided. Collection method: clinical testing. Allele origin: germline.
Comment: This variant is classified as likely benign based on ACMG/AMP sequence variant interpretation guidelines (Richards et al. 2015 PMID: 25741868, with internal and published modifications).

NM_021978.4(ST14):c.657C>T (p.His219=)

Gene: ST14 (ST14 transmembrane serine protease matriptase; plus strand). Cytogenetic location: 11q24.3.
Variant type: single nucleotide variant.
Coding change: c.657C>T on transcript NM_021978.4 (MANE Select); coding-DNA position 657, C replaced by T.
Protein change: p.His219=; no amino-acid change (histidine 219 retained).
Molecular consequence: synonymous variant.
Genome position (GRCh38, 1-based): chr11:130,190,476, C>T. VCF-style: chr11-130190476-C-T. GRCh37 (hg19) VCF-style: chr11-130060371-C-T.
Identifiers: ClinVar variation 3047937 (VCV003047937.2), dbSNP rs143342490, ClinGen allele CA6363705.